The following is an entry in ClinVar:

NM_000051.4(ATM):c.6179G>C (p.Arg2060Pro)

Genes: ATM (ATM serine/threonine kinase; plus strand), C11orf65 (chromosome 11 open reading frame 65; minus strand). Cytogenetic location: 11q22.3.
Variant type: single nucleotide variant.
Coding change: c.6179G>C on transcript NM_000051.4 (MANE Select); coding-DNA position 6179, G replaced by C.
Protein change: p.Arg2060Pro; replaces arginine 2060 with proline.
Molecular consequence: missense variant. On other transcripts: intron variant (2).
Genome position (GRCh38, 1-based): chr11:108,316,094, G>C. VCF-style: chr11-108316094-G-C. GRCh37 (hg19) VCF-style: chr11-108186821-G-C.
Other names: c.6179G>C, p.Arg2060Pro (NM_001351834.2); c.641-7023C>G (NM_001330368.2); c.*39-7023C>G (NM_001351110.2); short protein forms R2060P.
Identifiers: ClinVar variation 230875 (VCV000230875.37), dbSNP rs376521407, ClinGen allele CA6265872.
Genomic context (GRCh38, chr11:108,316,094, plus strand): 5'-CAATGTGGGGCAAAGCCCTAGTAACATATGACCTCGAAACAGCAATCCCCTCATCAACAC[G>C]CCAGGCAGGAATCATTCAGGTACATTTTTTCCCAGATTTGGTAAAGCCATCACTAGTGTA-3'
Protein context (NP_000042.3, residues 2050-2070): DLETAIPSST[Arg2060Pro]QAGIIQALQN

ClinVar aggregate classification (germline): Uncertain significance. Review status: criteria provided, multiple submitters, no conflicts (2 of 4 stars). 10 submissions from 10 submitters: Uncertain significance (9). 1 of the submissions does not count toward it. Last evaluated 2025-09-15.

Conditions:
ATM-related disorder. Also called: ATM-related disorders; ATM-related condition.
Hereditary cancer-predisposing syndrome. Also called: Neoplastic Syndromes, Hereditary; Hereditary neoplastic syndrome; Tumor predisposition; Hereditary Cancer Syndrome. Identifiers: Orphanet 140162, MedGen C0027672, MeSH D009386, MONDO:0015356.
Familial cancer of breast. Also called: hereditary breast carcinoma; Hereditary breast cancer; BREAST CANCER, FAMILIAL. Identifiers: Orphanet 227535, MedGen C0346153, MONDO:0016419, OMIM 114480. Disease mechanism: loss of function.
Ataxia-telangiectasia syndrome (AT). Also called: Ataxia telangiectasia (A-T); Cerebello-oculocutaneous telangiectasia; Immunodeficiency with ataxia telangiectasia; LOUIS-BAR SYNDROME; AT, COMPLEMENTATION GROUP C; ATAXIA-TELANGIECTASIA, FRESNO VARIANT. Identifiers: Orphanet 100, MedGen C0004135, MONDO:0008840, OMIM 208900.

Allele frequency attached by ClinVar (database versions not stated): ExAC 0.00002; gnomAD 0.00004; gnomAD exomes 0.00001; TOPMed 0.00007; ESP Exome Variant Server 0.00008.
gnomAD v4.1: 9 of 1,613,862 alleles (0.00056%); highest among the groups gnomAD compares: African/African-American, 0.012%; no homozygotes.

Submissions (10):

Ambry Genetics
Classification: Uncertain significance for Hereditary cancer-predisposing syndrome. Last evaluated: 2025-09-15. Review status: criteria provided, single submitter. Criteria: Ambry Variant Classification Scheme 2023. Collection method: clinical testing. Allele origin: germline.
Comment: The p.R2060P variant (also known as c.6179G>C), located in coding exon 41 of the ATM gene, results from a G to C substitution at nucleotide position 6179. The arginine at codon 2060 is replaced by proline, an amino acid with dissimilar properties. This amino acid position is highly conserved in available vertebrate species. In addition, the in silico prediction for this alteration is inconclusive. Based on the available evidence, the clinical significance of this variant remains unclear.

PreventionGenetics, part of Exact Sciences
Classification: Uncertain significance for ATM-related condition. Last evaluated: 2025-09-08. Review status: criteria provided, single submitter. Criteria: ACMG Guidelines, 2015. Collection method: clinical testing. Allele origin: germline.
Comment: The ATM c.6179G>C variant is predicted to result in the amino acid substitution p.Arg2060Pro. To our knowledge, this variant has not been reported in the literature. This variant is reported in 0.012% of alleles in individuals of African descent in gnomAD, and is classified as uncertain in ClinVar (Variation ID: 230875). At this time, the clinical significance of this variant is uncertain due to the absence of conclusive functional and genetic evidence.

Quest Diagnostics Nichols Institute San Juan Capistrano
Classification: Uncertain significance. Last evaluated: 2025-06-25. Review status: criteria provided, single submitter. Criteria: Quest Diagnostics criteria. Collection method: clinical testing. Allele origin: unknown.

Labcorp Genetics (formerly Invitae), Labcorp
Classification: Uncertain significance for Ataxia-telangiectasia syndrome. Last evaluated: 2024-12-12. Review status: criteria provided, single submitter. Criteria: Invitae Variant Classification Sherloc (09022015). Collection method: clinical testing. Allele origin: germline.
Comment: This sequence change replaces arginine, which is basic and polar, with proline, which is neutral and non-polar, at codon 2060 of the ATM protein (p.Arg2060Pro). This variant is present in population databases (rs376521407, gnomAD 0.02%). This variant has not been reported in the literature in individuals affected with ATM-related conditions. ClinVar contains an entry for this variant (Variation ID: 230875). Invitae Evidence Modeling of protein sequence and biophysical properties (such as structural, functional, and spatial information, amino acid conservation, physicochemical variation, residue mobility, and thermodynamic stability) indicates that this missense variant is not expected to disrupt ATM protein function with a negative predictive value of 95%. In summary, the available evidence is currently insufficient to determine the role of this variant in disease. Therefore, it has been classified as a Variant of Uncertain Significance.

Color Diagnostics, LLC DBA Color Health
Classification: Uncertain significance for Hereditary cancer-predisposing syndrome. Last evaluated: 2024-05-08. Review status: criteria provided, single submitter. Criteria: ACMG Guidelines, 2015. Collection method: clinical testing. Allele origin: germline.
Comment: This missense variant replaces arginine with proline at codon 2060 of the ATM protein. Computational prediction suggests that this variant may not impact protein structure and function. To our knowledge, functional studies have not been reported for this variant. A different variant resulting in the same protein change, c.6179G>A (p.Arg2060His), has been detected with CHEK2 p.Ile157Thr in an individual suspected for hereditary breast and/or ovarian cancer and/or Lynch syndrome (PMID: 38136308). This variant has been identified in 3/282654 chromosomes in the general population by the Genome Aggregation Database (gnomAD). The available evidence is insufficient to determine the role of this variant in disease conclusively. Therefore, this variant is classified as a Variant of Uncertain Significance.

Baylor Genetics
Classification: Uncertain significance for Familial cancer of breast. Last evaluated: 2023-08-24. Review status: criteria provided, single submitter. Criteria: ACMG Guidelines, 2015. Collection method: clinical testing. Allele origin: unknown.

GeneDx
Classification: Uncertain significance. Last evaluated: 2023-01-19. Review status: criteria provided, single submitter. Criteria: GeneDx Variant Classification Process June 2021. Collection method: clinical testing. Allele origin: germline. Affected: yes.
Comment: Not observed at significant frequency in large population cohorts (gnomAD); In silico analysis supports that this missense variant has a deleterious effect on protein structure/function; Has not been previously published as pathogenic or benign to our knowledge; This variant is associated with the following publications: (PMID: 23532176)

Athena Diagnostics
Classification: Uncertain significance. Last evaluated: 2020-02-10. Review status: criteria provided, single submitter. Criteria: Athena Diagnostics Criteria. Collection method: clinical testing. Allele origin: unknown.

Women's Health and Genetics/Laboratory Corporation of America, LabCorp
Classification: Uncertain significance. Last evaluated: 2018-01-08. Review status: criteria provided, single submitter. Criteria: LabCorp Variant Classification Summary - May 2015. Collection method: clinical testing. Allele origin: germline.
Comment: Variant summary: The ATM c.6179G>C (p.Arg2060Pro) variant involves the alteration of a conserved nucleotide and is predicted to be damaging by 3/4 in silico tools (SNPsandGO not captured due to low reliability index). This variant was found in 4/276988 control chromosomes (gnomAD) at a frequency of 0.0000144, which does not exceed the estimated maximal expected allele frequency of a pathogenic ATM variant (0.0010005). In addition, multiple clinical diagnostic laboratories/reputable databases classified this variant as uncertain significance. The variant of interest has not, to our knowledge, been reported in affected individuals via publications and/or reputable databases/clinical diagnostic laboratories; nor evaluated for functional impact by in vivo/vitro studies. Other missense changes this residue (Arg2060Leu, Arg2060His and Arg2060Cys) have been classified as uncertain significance by clinical laboratories in ClinVar. Because of the absence of clinical information and the lack of functional studies, the variant is classified as a variant of uncertain significance (VUS) until additional information becomes available.

Natera, Inc.
Classification: Uncertain significance for Ataxia-telangiectasia. Last evaluated: 2020-12-30. Review status: no assertion criteria provided. Collection method: clinical testing. Allele origin: germline. Not counted in ClinVar's aggregate classification.

Literature cited by the submitters: PubMed 38136308 (cited by Color Diagnostics, LLC DBA Color Health).